The following is an entry in ClinVar:

NM_181703.4(GJA5):c.570del (p.His192fs)

Genes: GJA5 (gap junction protein alpha 5; minus strand), LOC122128420 (Sharpr-MPRA regulatory region 3144; plus strand). Cytogenetic location: 1q21.2.
Variant type: Deletion.
Coding change: c.570del on transcript NM_181703.4 (MANE Select); coding-DNA position 570, one base deleted (T; older notation c.570delT).
Protein change: p.His192fs; shifts the reading frame from histidine 192.
Molecular consequence: frameshift variant.
Genome position (GRCh38, 1-based): chr1:147,758,669, A deleted on the plus strand (T on the coding strand, the reverse complement: GJA5 is on the minus strand). VCF-style (leftmost placement, unchanged base first): chr1-147758668-GA-G. GRCh37 (hg19) VCF-style: chr1-147230776-GA-G.
Other names: c.570del, p.His192fs (NM_005266.7); short protein forms H192fs.
Identifiers: ClinVar variation 4786212 (VCV004786212.1).

ClinVar aggregate classification (germline): Uncertain significance (1 of 4 stars; one submission).

Conditions:
Atrial fibrillation, familial, 11 (ATFB11). Identifiers: MedGen C3279693, MONDO:0013544, OMIM 614049.
Atrial standstill 1 (ATRST1). Also called: ATRIAL CARDIOMYOPATHY WITH HEART BLOCK; CARDIOMYOPATHY, FAMILIAL, WITH CONDUCTION DISTURBANCE; Atrial standstill, digenic (GJA5/SCN5A). Identifiers: Orphanet 1344, MedGen C4551959, MONDO:0007171, OMIM 108770.

Submission:

Labcorp Genetics (formerly Invitae), Labcorp
Classification: Uncertain significance for Atrial fibrillation, familial, 11; Atrial standstill 1. Last evaluated: 2025-09-23. Review status: criteria provided, single submitter. Criteria: Invitae Variant Classification Sherloc (09022015). Collection method: clinical testing. Allele origin: germline.
Comment: This sequence change creates a premature translational stop signal (p.His192Thrfs*66) in the GJA5 gene. While this is not anticipated to result in nonsense mediated decay, it is expected to disrupt the last 167 amino acid(s) of the GJA5 protein. This variant is not present in population databases (gnomAD no frequency). This variant has not been reported in the literature in individuals affected with GJA5-related conditions. Experimental studies and prediction algorithms are not available or were not evaluated, and the functional significance of this variant is currently unknown. In summary, the available evidence is currently insufficient to determine the role of this variant in disease. Therefore, it has been classified as a Variant of Uncertain Significance.